The following is an entry in ClinVar:

NM_000278.5(PAX2):c.186C>A (p.His62Gln)

Gene: PAX2 (paired box 2; plus strand). Cytogenetic location: 10q24.31.
Variant type: single nucleotide variant.
Coding change: c.186C>A on transcript NM_000278.5 (MANE Select); coding-DNA position 186, C replaced by A.
Protein change: p.His62Gln; replaces histidine 62 with glutamine.
Molecular consequence: missense variant.
Genome position (GRCh38, 1-based): chr10:100,749,888, C>A. VCF-style: chr10-100749888-C-A. GRCh37 (hg19) VCF-style: chr10-102509645-C-A.
Other names: c.279C>A, p.His93Gln (NM_001304569.2); c.186C>A, p.His62Gln (NM_003987.5, NM_003988.5, NM_003989.5 and 1 more transcripts); short protein forms H62Q, H93Q.
Identifiers: ClinVar variation 4784740 (VCV004784740.1).

ClinVar aggregate classification (germline): Uncertain significance (1 of 4 stars; one submission).

Conditions:
Focal segmental glomerulosclerosis 7 (FSGS7). Identifiers: Orphanet 656, MedGen C4014925, MONDO:0014451, OMIM 616002.
Renal coloboma syndrome (PAPRS). Also called: PAPILLORENAL SYNDROME; COLOBOMA OF OPTIC NERVE WITH RENAL DISEASE; OPTIC COLOBOMA, VESICOURETERAL REFLUX, AND RENAL ANOMALIES; OPTIC NERVE COLOBOMA WITH RENAL DISEASE; RENAL-COLOBOMA SYNDROME WITH MACULAR ABNORMALITIES; PAPILLORENAL SYNDROME WITH MILD OCULAR ABNORMALITIES. Identifiers: Orphanet 1475, MedGen C1852759, MONDO:0007352, OMIM 120330.

Submission:

Labcorp Genetics (formerly Invitae), Labcorp
Classification: Uncertain significance for Renal coloboma syndrome; Focal segmental glomerulosclerosis 7. Last evaluated: 2025-04-23. Review status: criteria provided, single submitter. Criteria: Invitae Variant Classification Sherloc (09022015). Collection method: clinical testing. Allele origin: germline.
Comment: This sequence change replaces histidine, which is basic and polar, with glutamine, which is neutral and polar, at codon 62 of the PAX2 protein (p.His62Gln). This variant is not present in population databases (gnomAD no frequency). This variant has not been reported in the literature in individuals affected with PAX2-related conditions. Experimental studies and prediction algorithms are not available or were not evaluated, and the functional significance of this variant is currently unknown. In summary, the available evidence is currently insufficient to determine the role of this variant in disease. Therefore, it has been classified as a Variant of Uncertain Significance.